The following is an entry in ClinVar:

NM_006231.4(POLE):c.5484A>G (p.Pro1828=)

Gene: POLE (DNA polymerase epsilon, catalytic subunit; minus strand). Cytogenetic location: 12q24.33.
Variant type: single nucleotide variant.
Coding change: c.5484A>G on transcript NM_006231.4 (MANE Select); coding-DNA position 5484, A replaced by G.
Protein change: p.Pro1828=; no amino-acid change (proline 1828 retained).
Molecular consequence: synonymous variant.
Genome position (GRCh38, 1-based): chr12:132,639,193, T>C on the plus strand (A>G on the coding strand, the complement: POLE is on the minus strand). VCF-style: chr12-132639193-T-C. GRCh37 (hg19) VCF-style: chr12-133215779-T-C.
Identifiers: ClinVar variation 386424 (VCV000386424.7), dbSNP rs770297218, ClinGen allele CA6892511.

ClinVar aggregate classification (germline): Likely benign. Review status: criteria provided, multiple submitters, no conflicts (2 of 4 stars). 3 submissions from 3 submitters: Likely benign (3). Last evaluated 2025-10-08.

Conditions:
Hereditary cancer-predisposing syndrome. Also called: Hereditary Cancer Syndrome; Hereditary neoplastic syndrome; Neoplastic Syndromes, Hereditary; Tumor predisposition. Identifiers: Orphanet 140162, MedGen C0027672, MeSH D009386, MONDO:0015356.

Allele frequency attached by ClinVar (database versions not stated): gnomAD exomes below 0.00001; ExAC 0.00001.
gnomAD v4.1: 2 of 1,614,102 alleles (0.00012%); highest among the groups gnomAD compares: East Asian, 0.0022%; no homozygotes.

Submissions (3):

Labcorp Genetics (formerly Invitae), Labcorp
Classification: Likely benign. Last evaluated: 2025-10-08. Review status: criteria provided, single submitter. Criteria: Invitae Variant Classification Sherloc (09022015). Collection method: clinical testing. Allele origin: germline.

Ambry Genetics
Classification: Likely benign for Hereditary cancer-predisposing syndrome. Last evaluated: 2017-02-17. Review status: criteria provided, single submitter. Criteria: Ambry Variant Classification Scheme 2023. Collection method: clinical testing. Allele origin: germline.

GeneDx
Classification: Likely benign. Last evaluated: 2016-12-26. Review status: criteria provided, single submitter. Criteria: GeneDx Variant Classification (06012015). Collection method: clinical testing. Allele origin: germline. Affected: yes.
Comment: This variant is considered likely benign or benign based on one or more of the following criteria: it is a conservative change, it occurs at a poorly conserved position in the protein, it is predicted to be benign by multiple in silico algorithms, and/or has population frequency not consistent with disease.